The following is an entry in ClinVar:

NM_024642.5(GALNT12):c.1077C>G (p.Ser359=)

Gene: GALNT12 (polypeptide N-acetylgalactosaminyltransferase 12; plus strand). Cytogenetic location: 9q22.33.
Variant type: single nucleotide variant.
Coding change: c.1077C>G on transcript NM_024642.5 (MANE Select); coding-DNA position 1077, C replaced by G.
Protein change: p.Ser359=; no amino-acid change (serine 359 retained).
Molecular consequence: synonymous variant.
Genome position (GRCh38, 1-based): chr9:98,837,013, C>G. VCF-style: chr9-98837013-C-G. GRCh37 (hg19) VCF-style: chr9-101599295-C-G.
Identifiers: ClinVar variation 4875733 (VCV004875733.1).
Genomic context (GRCh38, chr9:98,837,013, plus strand): 5'-TCCTTTTCTCTGTGTGCAGATCTGGCAGTGTGGTGGGGTTCTGGAAACACACCCATGTTC[C>G]CATGTTGGCCATGTTTTCCCCAAGCAAGCTCCCTACTCCCGCAACAAGGCTCTGGCCAAC-3'
Protein context (NP_078918.3, residues 349-369): CGGVLETHPC[Ser359=]HVGHVFPKQA

ClinVar aggregate classification (germline): Benign (1 of 4 stars; one submission).

Conditions:
Colorectal cancer, susceptibility to, 1. Also called: COLORECTAL ADENOMA AND CANCER, SUSCEPTIBILITY TO; COLORECTAL CANCER, SUSCEPTIBILITY TO, ON CHROMOSOME 9. Identifiers: MedGen C1837315, MONDO:0012132, OMIM 608812.

Submission:

Myriad Genetics, Inc.
Classification: Benign for Colorectal cancer, susceptibility to, 1. Last evaluated: 2026-04-24. Review status: criteria provided, single submitter. Criteria: Myriad Autosomal Dominant, Autosomal Recessive and X-Linked Classification Criteria (2023). Collection method: clinical testing. Allele origin: unknown.
Comment: This variant is considered benign. This variant is a silent/synonymous amino acid change and it is not expected to impact splicing.